The following is an entry in ClinVar:

NM_001042492.3(NF1):c.567dup (p.Leu190fs)

Gene: NF1 (neurofibromin 1; plus strand). Cytogenetic location: 17q11.2.
Variant type: Duplication.
Coding change: c.567dup on transcript NM_001042492.3 (MANE Select); coding-DNA position 567, one base duplicated (A; older notation c.567dupA).
Protein change: p.Leu190fs; shifts the reading frame from leucine 190.
Molecular consequence: frameshift variant.
Genome position (GRCh38, 1-based): chr17:31,169,978, A duplicated; the last of 4 consecutive A bases (chr17:31,169,975-31,169,978); duplicating any one gives the same sequence. VCF-style (leftmost placement, unchanged base first): chr17-31169974-C-CA. GRCh37 (hg19) VCF-style: chr17-29496992-C-CA.
Other names: c.567dup, p.Leu190Ilefs (NM_000267.4); c.567dup, p.Leu190fs (NM_001128147.3); short protein forms L190fs.
Identifiers: ClinVar variation 2748956 (VCV002748956.3), dbSNP rs2143708010, ClinGen allele CA2697559764.

ClinVar aggregate classification (germline): Pathogenic (1 of 4 stars; one submission).

Conditions:
Neurofibromatosis, type 1 (NF1). Also called: Peripheral type neurofibromatosis; NEUROFIBROMATOSIS, TYPE I, SOMATIC; VON RECKLINGHAUSEN DISEASE; Neurofibromatosis, type I. Identifiers: Orphanet 636, MedGen C0027831, MONDO:0018975, OMIM 162200. Disease mechanism: loss of function.

Submission:

Labcorp Genetics (formerly Invitae), Labcorp
Classification: Pathogenic for Neurofibromatosis, type 1. Last evaluated: 2023-08-01. Review status: criteria provided, single submitter. Criteria: Invitae Variant Classification Sherloc (09022015). Collection method: clinical testing. Allele origin: germline.
Comment: This sequence change creates a premature translational stop signal (p.Leu190Ilefs*11) in the NF1 gene. It is expected to result in an absent or disrupted protein product. Loss-of-function variants in NF1 are known to be pathogenic (PMID: 10712197, 23913538). This variant is not present in population databases (gnomAD no frequency). This variant has not been reported in the literature in individuals affected with NF1-related conditions. For these reasons, this variant has been classified as Pathogenic.

Literature cited by the submitters: PubMed 10712197; PubMed 23913538.